The following is an entry in ClinVar:

NM_000059.4(BRCA2):c.9648+127G>A

Gene: BRCA2 (BRCA2 DNA repair associated; plus strand). Cytogenetic location: 13q13.1.
Variant type: single nucleotide variant.
Coding change: c.9648+127G>A on transcript NM_000059.4 (MANE Select); 127 bases into the intron after coding-DNA position 9648, G replaced by A.
Molecular consequence: intron variant.
Genome position (GRCh38, 1-based): chr13:32,397,171, G>A. VCF-style: chr13-32397171-G-A. GRCh37 (hg19) VCF-style: chr13-32971308-G-A.
Identifiers: ClinVar variation 873414 (VCV000873414.15), dbSNP rs182622896, ClinGen allele CA247508309.
Genomic context (GRCh38, chr13:32,397,171, plus strand): 5'-TATACCTAGTAAACATGGTAAAATGTAATTAAACTTAATTAGAAAATGTGGTTGTTATGT[G>A]GCTCCTGTAAGTATAGTTATTTAGAAATTTTATTTATTGAAGCAAGATATGAAACTCTGG-3'

ClinVar aggregate classification (germline): Conflicting classifications of pathogenicity. Review status: criteria provided, conflicting classifications (1 of 4 stars). 5 submissions from 5 submitters: Uncertain significance (1); Likely benign (3). 1 of the submissions does not count toward it. Last evaluated 2025-05-05.

Conditions:
Hereditary breast ovarian cancer syndrome. Also called: Hereditary breast and ovarian cancer syndrome (HBOC); Hereditary breast and/or ovarian cancer syndrome; Hereditary breast and ovarian cancer syndrome; Breast and ovarian cancer; BRCA1- and BRCA2-Associated Hereditary Breast and Ovarian Cancer; Hereditary breast and ovarian cancer. Identifiers: Orphanet 145, MedGen C0677776, MeSH D061325, MONDO:0003582. Disease mechanism: loss of function.
Hereditary cancer-predisposing syndrome. Also called: Neoplastic Syndromes, Hereditary; Hereditary Cancer Syndrome; Tumor predisposition; Hereditary neoplastic syndrome. Identifiers: Orphanet 140162, MedGen C0027672, MeSH D009386, MONDO:0015356.

Allele frequency attached by ClinVar (database versions not stated): gnomAD 0.00003 and 0.00005; TOPMed 0.00003; 1000 Genomes Project 0.00020; gnomAD exomes 0.00027.
gnomAD v4.1: 253 of 1,097,900 alleles (0.023%); highest among the groups gnomAD compares: East Asian, 0.58%; 2 homozygotes.

Submissions (5):

Labcorp Genetics (formerly Invitae), Labcorp
Classification: Likely benign for Hereditary breast ovarian cancer syndrome. Last evaluated: 2025-05-05. Review status: criteria provided, single submitter. Criteria: Invitae Variant Classification Sherloc (09022015). Collection method: clinical testing. Allele origin: germline.

Sema4
Classification: Uncertain significance for Hereditary cancer-predisposing syndrome. Last evaluated: 2021-11-05. Review status: criteria provided, single submitter. Criteria: Sema4 Curation Guidelines. Collection method: curation. Allele origin: germline.
Comment: The BRCA2 c.9648+127G>A variant has been reported in heterozygosity in at least one individual being evaluated for hereditary breast and ovarian cancer (PMID: 28351343). In silico tools suggest that the variant may create a new cryptic splice site, though this was not observed in a study of complementary DNA derived from a patients RNA (PMID: 31843900). It was observed in 8/5206 chromosomes of the East Asian subpopulation in the large and broad cohorts of the Genome Aggregation Database Version 3 (PMID: 32461654). The variant has been reported in ClinVar (Variation ID 873414). The evidence is insufficient to meet ACMG/AMP criteria for classifying the variant as benign or pathogenic. Thus, the clinical significance of this variant is currently uncertain.

GeneDx
Classification: Likely benign. Last evaluated: 2020-07-16. Review status: criteria provided, single submitter. Criteria: GeneDx Variant Classification Process June 2021. Collection method: clinical testing. Allele origin: germline. Affected: yes.
Comment: This variant is associated with the following publications: (PMID: 31843900, 28351343)

Breakthrough Genomics
Classification: Likely benign. Review status: criteria provided, single submitter. Criteria: ACMG Guidelines, 2015. Collection method: not provided. Allele origin: germline. Inheritance: Autosomal recessive inheritance. Affected: yes.

King Laboratory, University of Washington
Classification: Benign. Last evaluated: 2019-09-01. Review status: no assertion criteria provided. Collection method: research. Allele origin: germline. Affected: yes. Not counted in ClinVar's aggregate classification.
Comment: Transcript analysis by cBROCA

Literature cited by the submitters: PubMed 28351343 (cited by Sema4); PubMed 31843900 (cited by Sema4 and King Laboratory, University of Washington).